The following is an entry in ClinVar:

ClinVar aggregate classification (germline): Uncertain significance (1 of 4 stars; one submission).

Allele frequency attached by ClinVar (database versions not stated): gnomAD exomes 0.00001 and 0.00002; TOPMed 0.00001; ExAC 0.00002; gnomAD 0.00002.
gnomAD v4.1: 34 of 1,594,948 alleles (0.0021%); highest among the groups gnomAD compares: Non-Finnish European, 0.0027%; no homozygotes.

Submission:

Labcorp Genetics (formerly Invitae), Labcorp
Classification: Uncertain significance. Last evaluated: 2025-10-21. Review status: criteria provided, single submitter. Criteria: Invitae Variant Classification Sherloc (09022015). Collection method: clinical testing. Allele origin: germline.
Comment: This sequence change affects codon 333 of the CARD8 mRNA. It is a 'silent' change, meaning that it does not change the encoded amino acid sequence of the CARD8 protein. This variant is present in population databases (rs758762341, gnomAD 0.007%). This variant has not been reported in the literature in individuals affected with CARD8-related conditions. ClinVar contains an entry for this variant (Variation ID: 1355627). Algorithms developed to predict the effect of sequence changes on RNA splicing suggest that this variant may create or strengthen a splice site. In summary, the available evidence is currently insufficient to determine the role of this variant in disease. Therefore, it has been classified as a Variant of Uncertain Significance.

NM_001184900.3(CARD8):c.1149A>G (p.Lys383=)

Gene: CARD8 (caspase recruitment domain family member 8; minus strand). Cytogenetic location: 19q13.33.
Variant type: single nucleotide variant.
Coding change: c.1149A>G on transcript NM_001184900.3 (MANE Select); coding-DNA position 1149, A replaced by G.
Protein change: p.Lys383=; no amino-acid change (lysine 383 retained).
Molecular consequence: synonymous variant. On other transcripts: non-coding transcript variant (3).
Genome position (GRCh38, 1-based): chr19:48,221,742, T>C on the plus strand (A>G on the coding strand, the complement: CARD8 is on the minus strand). VCF-style: chr19-48221742-T-C. GRCh37 (hg19) VCF-style: chr19-48724999-T-C.
Other names: c.999A>G, p.Lys333= (NM_001184901.1, NM_001351783.2, NM_001351788.2 and 2 more transcripts); c.1149A>G, p.Lys383= (NM_001184902.2, NM_001184903.1, NM_001351782.2); c.834A>G, p.Lys278= (NM_001351784.2, NM_001351787.2, NM_001351791.2 and 1 more transcripts); c.813A>G, p.Lys271= (NM_001351786.2); c.906A>G, p.Lys302= (NM_001351790.2); c.831A>G, p.Lys277= (NM_001365950.1).
Identifiers: ClinVar variation 1355627 (VCV001355627.8), dbSNP rs758762341, ClinGen allele CA9547787.
Genomic context (GRCh38, chr19:48,221,742, plus strand): 5'-ATATAAAACACTCTGAAACCTGCTGAGTTGGGTTTGAATTCTACTAACCTTGGGCATTAC[T>C]TTCAGGTTAGCAGAATTAGACACAATATAACTGGAACCAAAGTTCAGGGGTTCCATTGGG-3'
Protein context (NP_001171829.1, residues 373-393): SYIVSNSANL[Lys383=]VMPKELKLSY